The following is an entry in ClinVar:

NM_001374736.1(DST):c.18129+3A>G

Gene: DST (dystonin; minus strand). Cytogenetic location: 6p12.1.
Variant type: single nucleotide variant.
Coding change: c.18129+3A>G on transcript NM_001374736.1 (MANE Select); 3 bases into the intron after coding-DNA position 18129, A replaced by G.
Molecular consequence: intron variant.
Genome position (GRCh38, 1-based): chr6:56,526,358, T>C on the plus strand (A>G on the coding strand, the complement: DST is on the minus strand). VCF-style: chr6-56526358-T-C. GRCh37 (hg19) VCF-style: chr6-56391156-T-C.
Other names: c.11772+3A>G (NM_001144769.5); c.18129+3A>G (NM_001374722.1); c.18156+3A>G (NM_001374734.1); c.11358+3A>G (NM_001144770.2); c.10911+3A>G (NM_001374730.1); c.11238+3A>G (NM_001386100.1, NM_183380.4); c.17169+3A>G (NM_001374729.1); c.10260+3A>G (NM_015548.5).
Identifiers: ClinVar variation 1740937 (VCV001740937.6), dbSNP rs533096812, ClinGen allele CA3867297.

ClinVar aggregate classification (germline): Uncertain significance. Review status: criteria provided, multiple submitters, no conflicts (2 of 4 stars). 2 submissions from 2 submitters: Uncertain significance (2). Last evaluated 2022-05-07.

Conditions:
Inborn genetic diseases. Identifiers: MedGen C0950123, MeSH D030342.
Epidermolysis bullosa simplex 3, localized or generalized intermediate, with BP230 deficiency (EBS3). Also called: Epidermolysis bullosa simplex, autosomal recessive 2; Epidermolysis bullosa simplex due to BP230 deficiency. Identifiers: Orphanet 412181, MedGen C3809470, MONDO:0014180, OMIM 615425.
Hereditary sensory and autonomic neuropathy type 6. Also called: HSAN VI; Neuropathy, hereditary sensory and autonomic, type VI. Identifiers: Orphanet 314381, MedGen C3539003, MONDO:0013839, OMIM 614653.

Allele frequency attached by ClinVar (database versions not stated): gnomAD 0.00001; gnomAD exomes 0.00001; ExAC 0.00002; 1000 Genomes Project 30x 0.00016; 1000 Genomes Project 0.00020.
gnomAD v4.1: 16 of 1,613,566 alleles (0.00099%); highest among the groups gnomAD compares: South Asian, 0.0022%; no homozygotes.

Submissions (2):

Labcorp Genetics (formerly Invitae), Labcorp
Classification: Uncertain significance for Epidermolysis bullosa simplex 3, localized or generalized intermediate, with BP230 deficiency; Hereditary sensory and autonomic neuropathy type 6. Last evaluated: 2022-05-07. Review status: criteria provided, single submitter. Criteria: Invitae Variant Classification Sherloc (09022015). Collection method: clinical testing. Allele origin: germline.
Comment: In summary, the available evidence is currently insufficient to determine the role of this variant in disease. Therefore, it has been classified as a Variant of Uncertain Significance. Variants that disrupt the consensus splice site are a relatively common cause of aberrant splicing (PMID: 17576681, 9536098). Experimental studies and prediction algorithms are not available or were not evaluated, and the effect of this variant on mRNA splicing is currently unknown. This variant has not been reported in the literature in individuals affected with DST-related conditions. This variant is present in population databases (rs533096812, gnomAD 0.003%). This sequence change falls in intron 50 of the DST gene. It does not directly change the encoded amino acid sequence of the DST protein. It affects a nucleotide within the consensus splice site. The DST gene has multiple clinically relevant transcripts. This variant occurs in alternate transcript NM_015548.4, and corresponds to NM_001723.5:c.*89159A>G in the primary transcript.

Ambry Genetics
Classification: Uncertain significance for Inborn genetic diseases. Last evaluated: 2021-05-26. Review status: criteria provided, single submitter. Criteria: Ambry Variant Classification Scheme 2023. Collection method: clinical testing. Allele origin: germline.
Comment: The c.11772+3A>G intronic variant results from an A to G substitution 3 nucleotides after coding exon 63 in the DST gene. This nucleotide position is highly conserved in available vertebrate species. In silico splice site analysis predicts that this alteration will not have any significant effect on splicing. Since supporting evidence is limited at this time, the clinical significance of this alteration remains unclear.

Literature cited by the submitters: PubMed 17576681 (cited by Labcorp Genetics (formerly Invitae), Labcorp); PubMed 9536098 (cited by Labcorp Genetics (formerly Invitae), Labcorp).